The following is an entry in ClinVar:

ClinVar aggregate classification (germline): Conflicting classifications of pathogenicity. Review status: criteria provided, conflicting classifications (1 of 4 stars). 5 submissions from 4 submitters: Uncertain significance (4); Likely benign (1). Last evaluated 2025-12-16.

Conditions:
Adams-Oliver syndrome 5 (AOS5). Identifiers: Orphanet 974, MedGen C4014970, MONDO:0014459, OMIM 616028.
Aortic valve disease 1 (AOVD1). Identifiers: MedGen C3887892, MONDO:0024523, OMIM 109730.
Familial thoracic aortic aneurysm and aortic dissection (TAAD). Also called: Thoracic aortic aneurysms and dissections. Identifiers: Orphanet 91387, MedGen C4707243, MONDO:0019625.

Allele frequency attached by ClinVar (database versions not stated): gnomAD exomes below 0.00001 and 0.00001; TOPMed below 0.00001; ExAC 0.00001; ESP Exome Variant Server 0.00008.

Submissions (5):

Labcorp Genetics (formerly Invitae), Labcorp
Classification: Likely benign for Adams-Oliver syndrome 5. Last evaluated: 2025-12-16. Review status: criteria provided, single submitter. Criteria: Invitae Variant Classification Sherloc (09022015). Collection method: clinical testing. Allele origin: germline.

Ambry Genetics
Classification: Uncertain significance for Familial thoracic aortic aneurysm and aortic dissection. Last evaluated: 2025-07-29. Review status: criteria provided, single submitter. Criteria: Ambry Variant Classification Scheme 2023. Collection method: clinical testing. Allele origin: germline.
Comment: The p.R902H variant (also known as c.2705G>A), located in coding exon 17 of the NOTCH1 gene, results from a G to A substitution at nucleotide position 2705. The arginine at codon 902 is replaced by histidine, an amino acid with highly similar properties. This amino acid position is not well conserved in available vertebrate species. In addition, this alteration is predicted to be tolerated by in silico analysis. Based on the available evidence, the clinical significance of this variant remains unclear.

GeneDx
Classification: Uncertain significance. Last evaluated: 2024-06-26. Review status: criteria provided, single submitter. Criteria: GeneDx Variant Classification Process June 2021. Collection method: clinical testing. Allele origin: germline. Affected: yes.
Comment: Has not been previously published as pathogenic or benign to our knowledge; Not observed at significant frequency in large population cohorts (gnomAD); In silico analysis indicates that this missense variant does not alter protein structure/function

Genome-Nilou Lab
Classification: Uncertain significance for Adams-Oliver syndrome 5. Last evaluated: 2022-03-15. Review status: criteria provided, single submitter. Criteria: ACMG Guidelines, 2015. Collection method: clinical testing. Allele origin: germline. Affected: no.

Genome-Nilou Lab
Classification: Uncertain significance for Aortic valve disease 1. Last evaluated: 2022-03-15. Review status: criteria provided, single submitter. Criteria: ACMG Guidelines, 2015. Collection method: clinical testing. Allele origin: germline. Affected: no.

NM_017617.5(NOTCH1):c.2705G>A (p.Arg902His)

Gene: NOTCH1 (notch receptor 1; minus strand). Cytogenetic location: 9q34.3.
Variant type: single nucleotide variant.
Coding change: c.2705G>A on transcript NM_017617.5 (MANE Select); coding-DNA position 2705, G replaced by A.
Protein change: p.Arg902His; replaces arginine 902 with histidine.
Molecular consequence: missense variant.
Genome position (GRCh38, 1-based): chr9:136,510,688, C>T on the plus strand (G>A on the coding strand, the complement: NOTCH1 is on the minus strand). VCF-style: chr9-136510688-C-T. GRCh37 (hg19) VCF-style: chr9-139405140-C-T.
Other names: c.2705G>A, p.Arg902His (LRG_1122t1); short protein forms R902H.
Identifiers: ClinVar variation 520086 (VCV000520086.18), dbSNP rs373075482, ClinGen allele CA5341198.